The following is an entry in ClinVar:

NM_022167.4(XYLT2):c.1454del (p.Phe485fs)

Gene: XYLT2 (xylosyltransferase 2; plus strand). Cytogenetic location: 17q21.33.
Variant type: Deletion.
Coding change: c.1454del on transcript NM_022167.4 (MANE Select); coding-DNA position 1454, one base deleted (T; older notation c.1454delT).
Protein change: p.Phe485fs; shifts the reading frame from phenylalanine 485.
Molecular consequence: frameshift variant.
Genome position (GRCh38, 1-based): chr17:50,356,233, T deleted; the last of 2 consecutive T bases (chr17:50,356,232-50,356,233); deleting either gives the same sequence. VCF-style (leftmost placement, unchanged base first): chr17-50356231-CT-C. GRCh37 (hg19) VCF-style: chr17-48433592-CT-C.
Other names: short protein forms F485fs.
Identifiers: ClinVar variation 2108028 (VCV002108028.4), dbSNP rs2543952851, ClinGen allele CA2580094187.

ClinVar aggregate classification (germline): Pathogenic (1 of 4 stars; one submission).

Submission:

Labcorp Genetics (formerly Invitae), Labcorp
Classification: Pathogenic. Last evaluated: 2022-03-09. Review status: criteria provided, single submitter. Criteria: Invitae Variant Classification Sherloc (09022015). Collection method: clinical testing. Allele origin: germline.
Comment: For these reasons, this variant has been classified as Pathogenic. This variant has not been reported in the literature in individuals affected with XYLT2-related conditions. This variant is not present in population databases (gnomAD no frequency). This sequence change creates a premature translational stop signal (p.Phe485Serfs*26) in the XYLT2 gene. It is expected to result in an absent or disrupted protein product. Loss-of-function variants in XYLT2 are known to be pathogenic (PMID: 26027496, 26987875).

Literature cited by the submitters: PubMed 26027496; PubMed 26987875.